The following is an entry in ClinVar:

NM_000117.3(EMD):c.137G>A (p.Arg46Gln)

Gene: EMD (emerin; plus strand). Cytogenetic location: Xq28.
Variant type: single nucleotide variant.
Coding change: c.137G>A on transcript NM_000117.3 (MANE Select); coding-DNA position 137, G replaced by A.
Protein change: p.Arg46Gln; replaces arginine 46 with glutamine.
Molecular consequence: missense variant.
Genome position (GRCh38, 1-based): chrX:154,379,744, G>A. VCF-style: chrX-154379744-G-A. GRCh37 (hg19) VCF-style: chrX-153608104-G-A.
Other names: c.137G>A (NM_000117.2); short protein forms R46Q.
Identifiers: ClinVar variation 1417656 (VCV001417656.4), dbSNP rs941514119, ClinGen allele CA337289104.
Genomic context (GRCh38, chrX:154,379,744, plus strand): 5'-GGCCAGGATCAACTCGTAGGCTTTACGAGAAGAAGATCTTCGAGTACGAGACCCAGAGGC[G>A]GCGGCTCTCGCCCCCCAGCTCGTCCGCCGCCTCCTCTTATAGCTTCTCTGGTGAGAGCCT-3'
Protein context (NP_000108.1, residues 36-56): KKIFEYETQR[Arg46Gln]RLSPPSSSAA

ClinVar aggregate classification (germline): Uncertain significance. Review status: criteria provided, multiple submitters, no conflicts (2 of 4 stars). 2 submissions from 2 submitters: Uncertain significance (2). Last evaluated 2025-08-18.

Conditions:
EMD-related disorder. Also called: EMD-related condition.
X-linked Emery-Dreifuss muscular dystrophy. Also called: Muscular dystrophy, tardive Emery-Dreifuss type, with contractures. Identifiers: Orphanet 261, Orphanet 98863, MedGen C0751337, MONDO:0010680.

Allele frequency attached by ClinVar (database versions not stated): gnomAD exomes below 0.00001 and 0.00001; TOPMed below 0.00001; gnomAD 0.00002.

Submissions (2):

PreventionGenetics, part of Exact Sciences
Classification: Uncertain significance for EMD-related condition. Last evaluated: 2025-08-18. Review status: criteria provided, single submitter. Criteria: ACMG Guidelines, 2015. Collection method: clinical testing. Allele origin: germline.
Comment: The EMD c.137G>A variant is predicted to result in the amino acid substitution p.Arg46Gln. To our knowledge, this variant has not been reported in the literature. This variant is reported in 0.0058% of alleles in individuals of African descent in gnomAD. At this time, the clinical significance of this variant is uncertain due to the absence of conclusive functional and genetic evidence.

Labcorp Genetics (formerly Invitae), Labcorp
Classification: Uncertain significance for X-linked Emery-Dreifuss muscular dystrophy. Last evaluated: 2021-10-28. Review status: criteria provided, single submitter. Criteria: Invitae Variant Classification Sherloc (09022015). Collection method: clinical testing. Allele origin: germline.
Comment: This sequence change replaces arginine, which is basic and polar, with glutamine, which is neutral and polar, at codon 46 of the EMD protein (p.Arg46Gln). The frequency data for this variant in the population databases is considered unreliable, as metrics indicate poor data quality at this position in the gnomAD database. This variant has not been reported in the literature in individuals affected with EMD-related conditions. Algorithms developed to predict the effect of missense changes on protein structure and function are either unavailable or do not agree on the potential impact of this missense change (SIFT: "Tolerated"; PolyPhen-2: "Probably Damaging"; Align-GVGD: "Class C0"). In summary, the available evidence is currently insufficient to determine the role of this variant in disease. Therefore, it has been classified as a Variant of Uncertain Significance.